The following is an entry in ClinVar:

ClinVar aggregate classification (germline): Uncertain significance. Review status: criteria provided, multiple submitters, no conflicts (2 of 4 stars). 2 submissions from 2 submitters: Uncertain significance (2). Last evaluated 2025-08-06.

Conditions:
Hereditary cancer-predisposing syndrome. Also called: Neoplastic Syndromes, Hereditary; Tumor predisposition; Hereditary Cancer Syndrome; Hereditary neoplastic syndrome. Identifiers: Orphanet 140162, MedGen C0027672, MeSH D009386, MONDO:0015356.
Familial adenomatous polyposis 1 (FAP1). Also called: FAMILIAL ADENOMATOUS POLYPOSIS 1, ATTENUATED; POLYPOSIS, ADENOMATOUS INTESTINAL. Identifiers: MedGen C2713442, MONDO:0021056, OMIM 175100. Disease mechanism: loss of function.

Submissions (2):

Labcorp Genetics (formerly Invitae), Labcorp
Classification: Uncertain significance for Familial adenomatous polyposis 1. Last evaluated: 2025-08-06. Review status: criteria provided, single submitter. Criteria: Invitae Variant Classification Sherloc (09022015). Collection method: clinical testing. Allele origin: germline.
Comment: This sequence change replaces valine, which is neutral and non-polar, with methionine, which is neutral and non-polar, at codon 1614 of the APC protein (p.Val1614Met). This variant is not present in population databases (gnomAD no frequency). This variant has not been reported in the literature in individuals affected with APC-related conditions. ClinVar contains an entry for this variant (Variation ID: 482430). Invitae Evidence Modeling of protein sequence and biophysical properties (such as structural, functional, and spatial information, amino acid conservation, physicochemical variation, residue mobility, and thermodynamic stability) indicates that this missense variant is not expected to disrupt APC protein function with a negative predictive value of 95%. In summary, the available evidence is currently insufficient to determine the role of this variant in disease. Therefore, it has been classified as a Variant of Uncertain Significance.

Ambry Genetics
Classification: Uncertain significance for Hereditary cancer-predisposing syndrome. Last evaluated: 2023-08-22. Review status: criteria provided, single submitter. Criteria: Ambry Variant Classification Scheme 2023. Collection method: clinical testing. Allele origin: germline.
Comment: The p.V1614M variant (also known as c.4840G>A), located in coding exon 15 of the APC gene, results from a G to A substitution at nucleotide position 4840. The valine at codon 1614 is replaced by methionine, an amino acid with highly similar properties. This amino acid position is highly conserved in available vertebrate species. In addition, in silico predictors for this gene do not accurately predict pathogenicity. Since supporting evidence is limited at this time, the clinical significance of this alteration remains unclear.

NM_000038.6(APC):c.4840G>A (p.Val1614Met)

Gene: APC (APC regulator of Wnt signaling pathway; plus strand). Cytogenetic location: 5q22.2.
Variant type: single nucleotide variant.
Coding change: c.4840G>A on transcript NM_000038.6 (MANE Select); coding-DNA position 4840, G replaced by A.
Protein change: p.Val1614Met; replaces valine 1614 with methionine.
Molecular consequence: missense variant.
Genome position (GRCh38, 1-based): chr5:112,840,434, G>A. VCF-style: chr5-112840434-G-A. GRCh37 (hg19) VCF-style: chr5-112176131-G-A.
Other names: c.4840G>A, p.Val1614Met (NM_001127510.3, NM_001354895.2); c.4786G>A, p.Val1596Met (NM_001127511.3); c.4894G>A, p.Val1632Met (NM_001354896.2); c.4870G>A, p.Val1624Met (NM_001354897.2); c.4765G>A, p.Val1589Met (NM_001354898.2); c.4756G>A, p.Val1586Met (NM_001354899.2); c.4717G>A, p.Val1573Met (NM_001354900.2); c.4663G>A, p.Val1555Met (NM_001354901.2); and 5 more; short protein forms V1614M, V1596M, V1573M, V1589M, V1632M, V1513M, V1624M, V1454M.
Identifiers: ClinVar variation 482430 (VCV000482430.14), dbSNP rs1554086234, ClinGen allele CA16031934.
Genomic context (GRCh38, chr5:112,840,434, plus strand): 5'-CCAGCCCAGACTGCTTCAAAATTACCTCCACCTGTGGCAAGGAAACCAAGTCAGCTGCCT[G>A]TGTACAAACTTCTACCATCACAAAACAGGTTGCAACCCCAAAAGCATGTTAGTTTTACAC-3'
Protein context (NP_000029.2, residues 1604-1624): PVARKPSQLP[Val1614Met]YKLLPSQNRL